The following is an entry in ClinVar:

ClinVar aggregate classification (germline): Pathogenic (1 of 4 stars; one submission).

Conditions:
Fanconi anemia complementation group E (FANCE). Also called: FANCE-Related Fanconi Anemia. Identifiers: Orphanet 84, MedGen C3160739, MONDO:0010953, OMIM 600901.

Submission:

Labcorp Genetics (formerly Invitae), Labcorp
Classification: Pathogenic for Fanconi anemia complementation group E. Last evaluated: 2023-12-19. Review status: criteria provided, single submitter. Criteria: Invitae Variant Classification Sherloc (09022015). Collection method: clinical testing. Allele origin: unknown.
Comment: This variant is a gross deletion of the genomic region encompassing exon(s) 1 of the FANCE gene, which includes the initiator codon. This deletion extends beyond the assayed region for this gene and therefore may encompass additional genes. It is expected to result in an absent or disrupted protein product. Loss-of-function variants in FANCE are known to be pathogenic (PMID: 11001585, 17924555). This variant has not been reported in the literature in individuals affected with FANCE-related conditions. For these reasons, this variant has been classified as Pathogenic.

Literature cited by the submitters: PubMed 11001585; PubMed 17924555.

NC_000006.11:g.(?_35420323)_(35420590_?)del

Gene: FANCE (FA complementation group E; plus strand). Cytogenetic location: 6p21.31.
Variant type: Deletion.
Identifiers: ClinVar variation 3246025 (VCV003246025.1).